The following is an entry in ClinVar:

ClinVar aggregate classification (germline): Uncertain significance (1 of 4 stars; one submission).

Conditions:
Long QT syndrome (LQTS). Identifiers: MedGen C0023976, MeSH D008133, MONDO:0002442. Disease mechanism: loss of function. Inheritance: Various modes of inheritance.

Allele frequency attached by ClinVar (database versions not stated): gnomAD exomes below 0.00001; TOPMed below 0.00001.
gnomAD v4.1: 1 of 1,613,972 alleles (0.000062%); highest among the groups gnomAD compares: South Asian, 0.0011%; no homozygotes.

Submission:

Labcorp Genetics (formerly Invitae), Labcorp
Classification: Uncertain significance for Long QT syndrome. Last evaluated: 2021-01-12. Review status: criteria provided, single submitter. Criteria: Invitae Variant Classification Sherloc (09022015). Collection method: clinical testing. Allele origin: germline.
Comment: In summary, the available evidence is currently insufficient to determine the role of this variant in disease. Therefore, it has been classified as a Variant of Uncertain Significance. Algorithms developed to predict the effect of missense changes on protein structure and function are either unavailable or do not agree on the potential impact of this missense change (SIFT: "Deleterious"; PolyPhen-2: "Probably Damaging"; Align-GVGD: "Class C0"). This variant has not been reported in the literature in individuals with ANK2-related conditions. This variant is not present in population databases (ExAC no frequency). This sequence change replaces histidine with tyrosine at codon 605 of the ANK2 protein (p.His605Tyr). The histidine residue is highly conserved and there is a moderate physicochemical difference between histidine and tyrosine.

NM_001148.6(ANK2):c.1813C>T (p.His605Tyr)

Gene: ANK2 (ankyrin 2; plus strand). Cytogenetic location: 4q26.
Variant type: single nucleotide variant.
Coding change: c.1813C>T on transcript NM_001148.6 (MANE Select); coding-DNA position 1813, C replaced by T.
Protein change: p.His605Tyr; replaces histidine 605 with tyrosine.
Molecular consequence: missense variant. On other transcripts: intron variant (10).
Genome position (GRCh38, 1-based): chr4:113,278,490, C>T. VCF-style: chr4-113278490-C-T. GRCh37 (hg19) VCF-style: chr4-114199646-C-T.
Other names: c.1750C>T, p.His584Tyr (NM_001127493.3, NM_001354239.2, NM_001354243.2 and 10 more transcripts); c.1813C>T, p.His605Tyr (NM_001354225.2, NM_001354228.2, NM_001354232.2 and 6 more transcripts); c.1858C>T, p.His620Tyr (NM_001354230.2, NM_001354231.2, NM_001354237.2 and 5 more transcripts); c.1726C>T, p.His576Tyr (NM_001354249.2, NM_001354264.2, NM_001354266.2 and 10 more transcripts); c.1771C>T, p.His591Tyr (NM_001354261.2, NM_001386147.1, NM_001386160.1); c.1603C>T, p.His535Tyr (NM_001354269.3); c.1615C>T, p.His539Tyr (NM_001354273.2); c.1528C>T, p.His510Tyr (NM_001354277.2, NM_001386157.1); and 8 more; short protein forms H614Y, H620Y, H622Y, H539Y, H584Y, H576Y, H591Y, H593Y.
Identifiers: ClinVar variation 1432289 (VCV001432289.8), dbSNP rs898855441, ClinGen allele CA103784833.
Genomic context (GRCh38, chr4:113,278,490, plus strand): 5'-AATGCTGAAACTTAAACACACCCTTTACAGAACGGCCTTACCCCGCTCCATGTTGCTGCT[C>T]ATTATGACAACCAGAAGGTGGCGCTGCTGTTACTGGAGAAGGGTGCTTCCCCTCATGCCA-3'
Protein context (NP_001139.3, residues 595-615): NGLTPLHVAA[His605Tyr]YDNQKVALLL